The following is an entry in ClinVar:

ClinVar aggregate classification (germline): Uncertain significance (1 of 4 stars; one submission).

gnomAD v4.1: 3 of 1,614,040 alleles (0.00019%); highest among the groups gnomAD compares: Non-Finnish European, 0.00017%; no homozygotes.

Submission:

Labcorp Genetics (formerly Invitae), Labcorp
Classification: Uncertain significance. Last evaluated: 2026-01-03. Review status: criteria provided, single submitter. Criteria: Invitae Variant Classification Sherloc (09022015). Collection method: clinical testing. Allele origin: germline.
Comment: This sequence change replaces leucine, which is neutral and non-polar, with phenylalanine, which is neutral and non-polar, at codon 203 of the TNFAIP3 protein (p.Leu203Phe). This variant is not present in population databases (gnomAD no frequency). This variant has not been reported in the literature in individuals affected with TNFAIP3-related conditions. Invitae Evidence Modeling of protein sequence and biophysical properties (such as structural, functional, and spatial information, amino acid conservation, physicochemical variation, residue mobility, and thermodynamic stability) indicates that this missense variant is expected to disrupt TNFAIP3 protein function with a positive predictive value of 80%. In summary, the available evidence is currently insufficient to determine the role of this variant in disease. Therefore, it has been classified as a Variant of Uncertain Significance.

NM_001270508.2(TNFAIP3):c.607C>T (p.Leu203Phe)

Genes: TNFAIP3 (TNF alpha induced protein 3; plus strand), LOC126859807 (MED14-independent group 3 enhancer GRCh37_chr6:138196296-138197495; plus strand). Cytogenetic location: 6q23.3.
Variant type: single nucleotide variant.
Coding change: c.607C>T on transcript NM_001270508.2 (MANE Select); coding-DNA position 607, C replaced by T.
Protein change: p.Leu203Phe; replaces leucine 203 with phenylalanine.
Molecular consequence: missense variant.
Genome position (GRCh38, 1-based): chr6:137,875,808, C>T. VCF-style: chr6-137875808-C-T. GRCh37 (hg19) VCF-style: chr6-138196945-C-T.
Other names: c.607C>T, p.Leu203Phe (NM_001270507.2, NM_006290.4); short protein forms L203F.
Identifiers: ClinVar variation 4772026 (VCV004772026.1).